The following is an entry in ClinVar:

NM_001378454.1(ALMS1):c.5035C>G (p.Leu1679Val)

Gene: ALMS1 (ALMS1 centrosome and basal body associated protein; plus strand). Cytogenetic location: 2p13.1.
Variant type: single nucleotide variant.
Coding change: c.5035C>G on transcript NM_001378454.1 (MANE Select); coding-DNA position 5035, C replaced by G.
Protein change: p.Leu1679Val; replaces leucine 1679 with valine.
Molecular consequence: missense variant.
Genome position (GRCh38, 1-based): chr2:73,451,562, C>G. VCF-style: chr2-73451562-C-G. GRCh37 (hg19) VCF-style: chr2-73678689-C-G.
Other names: c.5038C>G, p.Leu1680Val (NM_015120.4); short protein forms L1680V, L1679V.
Identifiers: ClinVar variation 554458 (VCV000554458.6), dbSNP rs760829019, ClinGen allele CA1713814.

ClinVar aggregate classification (germline): Uncertain significance. Review status: criteria provided, multiple submitters, no conflicts (2 of 4 stars). 3 submissions from 3 submitters: Uncertain significance (2). 1 of the submissions does not count toward it. Last evaluated 2025-08-06.

Conditions:
Cardiovascular phenotype. Identifiers: MedGen CN230736.
Alstrom syndrome (ALMS). Identifiers: Orphanet 64, MedGen C0268425, MONDO:0008763, OMIM 203800.

Allele frequency attached by ClinVar (database versions not stated): gnomAD 0.00001; ExAC 0.00002; gnomAD exomes 0.00002; TOPMed 0.00002.
gnomAD v4.1: 28 of 1,613,716 alleles (0.0017%); highest among the groups gnomAD compares: Non-Finnish European, 0.0022%; no homozygotes.

Submissions (3):

Ambry Genetics
Classification: Uncertain significance for Cardiovascular phenotype. Last evaluated: 2025-08-06. Review status: criteria provided, single submitter. Criteria: Ambry Variant Classification Scheme 2023. Collection method: clinical testing. Allele origin: germline.
Comment: The p.L1680V variant (also known as c.5038C>G), located in coding exon 8 of the ALMS1 gene, results from a C to G substitution at nucleotide position 5038. The leucine at codon 1680 is replaced by valine, an amino acid with highly similar properties. This amino acid position is well conserved in available vertebrate species. In addition, this alteration is predicted to be tolerated by in silico analysis. Based on the available evidence, the clinical significance of this variant remains unclear.

Fulgent Genetics
Classification: Uncertain significance for Alstrom syndrome. Last evaluated: 2021-11-17. Review status: criteria provided, single submitter. Criteria: ACMG Guidelines, 2015. Collection method: clinical testing. Allele origin: unknown.

Counsyl
Classification: Uncertain significance for Alstrom syndrome. Last evaluated: 2017-10-19. Review status: no assertion criteria provided. Collection method: clinical testing. Allele origin: unknown. Not counted in ClinVar's aggregate classification.